The following is an entry in ClinVar:

ClinVar aggregate classification (germline): Conflicting classifications of pathogenicity. Review status: criteria provided, conflicting classifications (1 of 4 stars). 2 submissions from 2 submitters: Uncertain significance (1); Likely benign (1). Last evaluated 2025-12-28.

Conditions:
Cardiovascular phenotype. Identifiers: MedGen CN230736.
Brugada syndrome. Also called: Sudden unexpected nocturnal death syndrome; Sudden unexplained nocturnal death syndrome; Sudden Unexplained Death Syndrome; Sudden Unexplained Nocturnal Death Syndrome (SUNDS). Identifiers: Orphanet 130, MedGen C1142166, MONDO:0015263.

Allele frequency attached by ClinVar (database versions not stated): gnomAD exomes below 0.00001.
gnomAD v4.1: 2 of 1,449,150 alleles (0.00014%); highest among the groups gnomAD compares: Non-Finnish European, 0.00019%; no homozygotes.

Submissions (2):

Labcorp Genetics (formerly Invitae), Labcorp
Classification: Likely benign for Brugada syndrome. Last evaluated: 2025-12-28. Review status: criteria provided, single submitter. Criteria: Invitae Variant Classification Sherloc (09022015). Collection method: clinical testing. Allele origin: germline.

Ambry Genetics
Classification: Uncertain significance for Cardiovascular phenotype. Last evaluated: 2022-06-07. Review status: criteria provided, single submitter. Criteria: Ambry Variant Classification Scheme 2023. Collection method: clinical testing. Allele origin: germline.
Comment: The c.1735-5T>C intronic variant results from a T to C substitution 5 nucleotides upstream from coding exon 21 in the CACNA2D1 gene. This nucleotide position is well conserved in available vertebrate species. In silico splice site analysis for this alteration is inconclusive. The evidence for this gene-disease relationship is limited; therefore, the clinical significance of this alteration is unclear.

NM_000722.4(CACNA2D1):c.1735-5T>C

Gene: CACNA2D1 (calcium voltage-gated channel auxiliary subunit alpha2delta 1; minus strand). Cytogenetic location: 7q21.11.
Variant type: single nucleotide variant.
Coding change: c.1735-5T>C on transcript NM_000722.4 (MANE Select); 5 bases into the intron before coding-DNA position 1735, T replaced by C.
Molecular consequence: intron variant.
Genome position (GRCh38, 1-based): chr7:81,991,251, A>G on the plus strand (T>C on the coding strand, the complement: CACNA2D1 is on the minus strand). VCF-style: chr7-81991251-A-G. GRCh37 (hg19) VCF-style: chr7-81620567-A-G.
Other names: c.1792-5T>C (NM_001366867.1).
Identifiers: ClinVar variation 1779050 (VCV001779050.3), dbSNP rs2484907850, ClinGen allele CA2580077381.